The following is an entry in ClinVar:

NM_004629.2(FANCG):c.1348C>G (p.Leu450Val)

Gene: FANCG (FA complementation group G; minus strand). Cytogenetic location: 9p13.3.
Variant type: single nucleotide variant.
Coding change: c.1348C>G on transcript NM_004629.2 (MANE Select); coding-DNA position 1348, C replaced by G.
Protein change: p.Leu450Val; replaces leucine 450 with valine.
Molecular consequence: missense variant.
Genome position (GRCh38, 1-based): chr9:35,075,550, G>C on the plus strand (C>G on the coding strand, the complement: FANCG is on the minus strand). VCF-style: chr9-35075550-G-C. GRCh37 (hg19) VCF-style: chr9-35075547-G-C.
Other names: short protein forms L450V.
Identifiers: ClinVar variation 4022482 (VCV004022482.1).
Genomic context (GRCh38, chr9:35,075,550, plus strand): 5'-TTTGGGCACCCAGTTGAACCCAGGCCTGGCCCTGAAGCAGGTGGGTGGCAGAGACCCAGA[G>C]TGGGCAGTATGGCAGTTCCTTGGTTCCTTTTCTGGCATCTTCCCACAGCCGGGACATCTT-3'
Protein context (NP_004620.1, residues 440-460): KGTKELPYCP[Leu450Val]WVSATHLLQG

ClinVar aggregate classification (germline): Uncertain significance (1 of 4 stars; one submission).

Conditions:
Inborn genetic diseases. Identifiers: MedGen C0950123, MeSH D030342.

gnomAD v4.1: 1 of 1,614,204 alleles (0.000062%); highest among the groups gnomAD compares: Non-Finnish European, 0.000085%; no homozygotes.

Submission:

Ambry Genetics
Classification: Uncertain significance for Inborn genetic diseases. Last evaluated: 2025-04-07. Review status: criteria provided, single submitter. Criteria: Ambry Variant Classification Scheme 2023. Collection method: clinical testing. Allele origin: germline.
Comment: The p.L450V variant (also known as c.1348C>G), located in coding exon 10 of the FANCG gene, results from a C to G substitution at nucleotide position 1348. The leucine at codon 450 is replaced by valine, an amino acid with highly similar properties. This amino acid position is conserved. In addition, this alteration is predicted to be tolerated by in silico analysis. Based on the available evidence, the clinical significance of this variant remains unclear.